The following is an entry in ClinVar:

NM_020975.6(RET):c.2524G>A (p.Asp842Asn)

Gene: RET (ret proto-oncogene; plus strand). Cytogenetic location: 10q11.21.
Variant type: single nucleotide variant.
Coding change: c.2524G>A on transcript NM_020975.6 (MANE Select); coding-DNA position 2524, G replaced by A.
Protein change: p.Asp842Asn; replaces aspartic acid 842 with asparagine.
Molecular consequence: missense variant.
Genome position (GRCh38, 1-based): chr10:43,119,662, G>A. VCF-style: chr10-43119662-G-A. GRCh37 (hg19) VCF-style: chr10-43615110-G-A.
Other names: c.2524G>A, p.Asp842Asn (NM_000323.2, NM_001406743.1, NM_001406744.1 and 4 more transcripts); c.1762G>A, p.Asp588Asn (NM_001355216.2); c.2395G>A, p.Asp799Asn (NM_001406761.1, NM_001406762.1, NM_001406764.1); c.2389G>A, p.Asp797Asn (NM_001406763.1, NM_001406765.1); c.2236G>A, p.Asp746Asn (NM_001406766.1, NM_001406767.1, NM_001406770.1); c.2260G>A, p.Asp754Asn (NM_001406768.1); c.2128G>A, p.Asp710Asn (NM_001406769.1, NM_001406772.1); c.2086G>A, p.Asp696Asn (NM_001406771.1, NM_001406773.1); and 10 more; short protein forms D588N, D842N, D447N, D500N, D512N, D754N, D543N, D600N.
Identifiers: ClinVar variation 945181 (VCV000945181.11), dbSNP rs1838161318, ClinGen allele CA376556448.

ClinVar aggregate classification (germline): Uncertain significance. Review status: criteria provided, multiple submitters, no conflicts (2 of 4 stars). 3 submissions from 3 submitters: Uncertain significance (3). Last evaluated 2025-11-28.

Conditions:
Hereditary cancer-predisposing syndrome. Also called: Hereditary neoplastic syndrome; Hereditary Cancer Syndrome; Neoplastic Syndromes, Hereditary; Tumor predisposition. Identifiers: Orphanet 140162, MedGen C0027672, MeSH D009386, MONDO:0015356.
Multiple endocrine neoplasia, type 2 (MEN2). Identifiers: Orphanet 653, MedGen C4048306, MONDO:0019003. Disease mechanism: gain of function.

Allele frequency attached by ClinVar (database versions not stated): gnomAD exomes below 0.00001.

Submissions (3):

Ambry Genetics
Classification: Uncertain significance for Hereditary cancer-predisposing syndrome. Last evaluated: 2025-11-28. Review status: criteria provided, single submitter. Criteria: Ambry Variant Classification Scheme 2023. Collection method: clinical testing. Allele origin: germline.
Comment: The p.D842N variant (also known as c.2524G>A), located in coding exon 14 of the RET gene, results from a G to A substitution at nucleotide position 2524. The aspartic acid at codon 842 is replaced by asparagine, an amino acid with highly similar properties. This amino acid position is well conserved in available vertebrate species. In addition, this alteration is predicted to be tolerated by in silico analysis. Since supporting evidence is limited at this time, the clinical significance of this alteration remains unclear.

Blueprint Genetics
Classification: Uncertain significance. Last evaluated: 2024-07-23. Review status: criteria provided, single submitter. Criteria: ACMG Guidelines, 2015. Collection method: clinical testing. Allele origin: germline.

Labcorp Genetics (formerly Invitae), Labcorp
Classification: Uncertain significance for Multiple endocrine neoplasia, type 2. Last evaluated: 2024-01-28. Review status: criteria provided, single submitter. Criteria: Invitae Variant Classification Sherloc (09022015). Collection method: clinical testing. Allele origin: germline.
Comment: This sequence change replaces aspartic acid, which is acidic and polar, with asparagine, which is neutral and polar, at codon 842 of the RET protein (p.Asp842Asn). This variant is not present in population databases (gnomAD no frequency). This variant has not been reported in the literature in individuals affected with RET-related conditions. ClinVar contains an entry for this variant (Variation ID: 945181). An algorithm developed to predict the effect of missense changes on protein structure and function (PolyPhen-2) suggests that this variant is likely to be disruptive. In summary, the available evidence is currently insufficient to determine the role of this variant in disease. Therefore, it has been classified as a Variant of Uncertain Significance.